The following is an entry in ClinVar:

ClinVar aggregate classification (germline): Uncertain significance (1 of 4 stars; one submission).

Submission:

Dasa
Classification: Uncertain significance. Last evaluated: 2025-11-13. Review status: criteria provided, single submitter. Criteria: DASA Assertion Criteria. Collection method: clinical testing. Allele origin: germline.
Comment: NM_031885.5(BBS2):c.1931A>C (p.Tyr644Ser) is a missense variant that results in the substitution of tyrosine with serine. This variant is absent from population databases. Computational prediction algorithms are consistent with a deleterious effect. The currently available literature and clinical evidence are not sufficient to establish a definitive association between this variant and the reported condition. Therefore, this variant is classified as a variant of uncertain significance.

NM_031885.5(BBS2):c.1931A>C (p.Tyr644Ser)

Gene: BBS2 (Bardet-Biedl syndrome 2; minus strand). Cytogenetic location: 16q13.
Variant type: single nucleotide variant.
Coding change: c.1931A>C on transcript NM_031885.5 (MANE Select); coding-DNA position 1931, A replaced by C.
Protein change: p.Tyr644Ser; replaces tyrosine 644 with serine.
Molecular consequence: missense variant. On other transcripts: non-coding transcript variant (5).
Genome position (GRCh38, 1-based): chr16:56,485,718, T>G on the plus strand (A>C on the coding strand, the complement: BBS2 is on the minus strand). VCF-style: chr16-56485718-T-G. GRCh37 (hg19) VCF-style: chr16-56519630-T-G.
Other names: c.1931A>C, p.Tyr644Ser (NM_001377456.1); short protein forms Y644S.
Identifiers: ClinVar variation 4883275 (VCV004883275.2).